The following is an entry in ClinVar:

NM_001379200.1(TBX1):c.1465T>C (p.Ser489Pro)

Gene: TBX1 (T-box transcription factor 1; plus strand). Cytogenetic location: 22q11.21.
Variant type: single nucleotide variant.
Coding change: c.1465T>C on transcript NM_001379200.1 (MANE Select); coding-DNA position 1465, T replaced by C.
Protein change: p.Ser489Pro; replaces serine 489 with proline.
Molecular consequence: missense variant. On other transcripts: intron variant (2).
Genome position (GRCh38, 1-based): chr22:19,766,817, T>C. VCF-style: chr22-19766817-T-C. GRCh37 (hg19) VCF-style: chr22-19754340-T-C.
Other names: c.1438T>C, p.Ser480Pro (NM_080647.1); c.1009+815T>C (NM_005992.1, NM_080646.2); short protein forms S489P, S480P.
Identifiers: ClinVar variation 2706479 (VCV002706479.3), dbSNP rs2517859858, ClinGen allele CA410685650.
Genomic context (GRCh38, chr22:19,766,817, plus strand): 5'-AGTCCAGCCGCCGCGGCCGCCGCCGCCGCTGCCGCAGCTGCCGCGGCCGCCAACATGTAC[T>C]CGTCGGCCGGAGCCGCGCCGCCCGGCTCCTACGACTATTGCCCCAGATAACACGGGCCCT-3'
Protein context (NP_001366129.1, residues 479-499): AAAAAAANMY[Ser489Pro]SAGAAPPGSY

ClinVar aggregate classification (germline): Uncertain significance (1 of 4 stars; one submission).

Conditions:
DiGeorge syndrome. Also called: THIRD AND FOURTH PHARYNGEAL POUCH SYNDROME; Catch22. Identifiers: Orphanet 567, MedGen C0012236, MONDO:0008564, OMIM 188400.

Submission:

Labcorp Genetics (formerly Invitae), Labcorp
Classification: Uncertain significance for DiGeorge syndrome. Last evaluated: 2025-04-07. Review status: criteria provided, single submitter. Criteria: Invitae Variant Classification Sherloc (09022015). Collection method: clinical testing. Allele origin: germline.
Comment: This sequence change replaces serine, which is neutral and polar, with proline, which is neutral and non-polar, at codon 480 of the TBX1 protein (p.Ser480Pro). This variant is not present in population databases (gnomAD no frequency). This variant has not been reported in the literature in individuals affected with TBX1-related conditions. ClinVar contains an entry for this variant (Variation ID: 2706479). An algorithm developed to predict the effect of missense changes on protein structure and function (PolyPhen-2) suggests that this variant is likely to be disruptive. In summary, the available evidence is currently insufficient to determine the role of this variant in disease. Therefore, it has been classified as a Variant of Uncertain Significance.